The following is an entry in ClinVar:

ClinVar aggregate classification (germline): Uncertain significance (1 of 4 stars; one submission).

Conditions:
Charcot-Marie-Tooth disease type 4. Also called: Charcot-Marie-Tooth, Type 4; Charcot-Marie-Tooth disease, type IV. Identifiers: Orphanet 64749, MedGen C4082197, MONDO:0018995.

Submission:

Labcorp Genetics (formerly Invitae), Labcorp
Classification: Uncertain significance for Charcot-Marie-Tooth disease type 4. Last evaluated: 2019-02-15. Review status: criteria provided, single submitter. Criteria: Invitae Variant Classification Sherloc (09022015). Collection method: clinical testing. Allele origin: germline.
Comment: This variant is a gross duplication of the genomic region encompassing exons 15-17 of the FGD4 gene. The 5' boundary is likely confined to intron 14. The 3' end of this event is unknown as it extends beyond the assayed region for this gene and therefore may encompass additional genes. This variant has not been reported in the literature in an individual with a FGD4-related disease. Experimental studies and prediction algorithms are not available for this variant, and the functional significance of the duplicated amino acids is currently unknown. In summary, the exact genomic location of this variant is unknown and the impact of this duplication on FGD4 protein function has not been established. Therefore, it has been classified as a Variant of Uncertain Significance.

NC_000012.12:g.(?_32633539)_(32640543_?)dup

Gene: FGD4 (FYVE, RhoGEF and PH domain containing 4; plus strand). Cytogenetic location: 12p11.21.
Variant type: Duplication.
Identifiers: ClinVar variation 830796 (VCV000830796.2).